The following is an entry in ClinVar:

NM_000492.4:c.(273+1_274-1)_(1209+1_1210-1)dup

Gene: CFTR (CF transmembrane conductance regulator; plus strand).
Variant type: Duplication.
Other names: CFTRdup4-8; c.(273+1_274-1)_(1209+1_1210-1)dup (NM_000492.4).
Identifiers: ClinVar variation 1706078 (VCV001706078.1).

ClinVar aggregate classification (germline): Uncertain significance (1 of 4 stars; one submission).

Conditions:
Cystic fibrosis (CF). Also called: MUCOVISCIDOSIS. Identifiers: Orphanet 586, MedGen C0010674, MONDO:0009061, OMIM 219700. Disease mechanism: loss of function.

Submission:

Institute of Human Genetics, University of Leipzig Medical Center
Classification: Uncertain significance for Cystic fibrosis. Last evaluated: 2022-09-05. Review status: criteria provided, single submitter. Criteria: ACMG Guidelines, 2015. Collection method: curation. Allele origin: unknown. Affected: yes. Observed: 1 variant allele.
Comment: The variant was classified in the context of a project re-classifying variants in the German Cystic Fibrosis Registry (Muko.e.V.). Criteria applied: PM4, PM3, PM2_SUP